The following is an entry in ClinVar:

NM_020975.6(RET):c.2600A>C (p.Glu867Ala)

Gene: RET (ret proto-oncogene; plus strand). Cytogenetic location: 10q11.21.
Variant type: single nucleotide variant.
Coding change: c.2600A>C on transcript NM_020975.6 (MANE Select); coding-DNA position 2600, A replaced by C.
Protein change: p.Glu867Ala; replaces glutamic acid 867 with alanine.
Molecular consequence: missense variant.
Genome position (GRCh38, 1-based): chr10:43,119,738, A>C. VCF-style: chr10-43119738-A-C. GRCh37 (hg19) VCF-style: chr10-43615186-A-C.
Other names: c.2600A>C, p.Glu867Ala (NM_000323.2, NM_001406743.1, NM_001406744.1 and 4 more transcripts); c.1838A>C, p.Glu613Ala (NM_001355216.2); c.2471A>C, p.Glu824Ala (NM_001406761.1, NM_001406762.1, NM_001406764.1); c.2465A>C, p.Glu822Ala (NM_001406763.1, NM_001406765.1); c.2312A>C, p.Glu771Ala (NM_001406766.1, NM_001406767.1, NM_001406770.1); c.2336A>C, p.Glu779Ala (NM_001406768.1); c.2204A>C, p.Glu735Ala (NM_001406769.1, NM_001406772.1); c.2162A>C, p.Glu721Ala (NM_001406771.1, NM_001406773.1); and 10 more; short protein forms E384A, E432A, E472A, E523A, E525A, E528A, E537A, E568A.
Identifiers: ClinVar variation 3227535 (VCV003227535.1), dbSNP rs2132951478, ClinGen allele CA376556815.

ClinVar aggregate classification (germline): Uncertain significance (1 of 4 stars; one submission).

Conditions:
Hereditary cancer-predisposing syndrome. Also called: Neoplastic Syndromes, Hereditary; Tumor predisposition; Hereditary neoplastic syndrome; Hereditary Cancer Syndrome. Identifiers: Orphanet 140162, MedGen C0027672, MeSH D009386, MONDO:0015356.

Submission:

Ambry Genetics
Classification: Uncertain significance for Hereditary cancer-predisposing syndrome. Last evaluated: 2023-12-20. Review status: criteria provided, single submitter. Criteria: Ambry Variant Classification Scheme 2023. Collection method: clinical testing. Allele origin: germline.
Comment: The p.E867A variant (also known as c.2600A>C), located in coding exon 14 of the RET gene, results from an A to C substitution at nucleotide position 2600. The glutamic acid at codon 867 is replaced by alanine, an amino acid with dissimilar properties. This amino acid position is conserved. In addition, the in silico prediction for this alteration is inconclusive. Since supporting evidence is limited at this time, the clinical significance of this alteration remains unclear.